The following is an entry in ClinVar:

ClinVar aggregate classification (germline): Uncertain significance. Review status: criteria provided, multiple submitters, no conflicts (2 of 4 stars). 2 submissions from 2 submitters: Uncertain significance (2). Last evaluated 2024-11-03.

Allele frequency attached by ClinVar (database versions not stated): TOPMed 0.00011; gnomAD 0.00015; ExAC 0.00019; 1000 Genomes Project 30x 0.00031; gnomAD exomes 0.00038.
gnomAD v4.1: 565 of 1,614,094 alleles (0.035%); highest among the groups gnomAD compares: Non-Finnish European, 0.047%; no homozygotes.

Submissions (2):

Labcorp Genetics (formerly Invitae), Labcorp
Classification: Uncertain significance. Last evaluated: 2024-11-03. Review status: criteria provided, single submitter. Criteria: Invitae Variant Classification Sherloc (09022015). Collection method: clinical testing. Allele origin: germline.
Comment: This sequence change replaces threonine, which is neutral and polar, with proline, which is neutral and non-polar, at codon 440 of the SLC16A12 protein (p.Thr440Pro). This variant is present in population databases (rs201915707, gnomAD 0.03%), and has an allele count higher than expected for a pathogenic variant. This variant has not been reported in the literature in individuals affected with SLC16A12-related conditions. ClinVar contains an entry for this variant (Variation ID: 2241742). An algorithm developed to predict the effect of missense changes on protein structure and function (PolyPhen-2) suggests that this variant is likely to be disruptive. In summary, the available evidence is currently insufficient to determine the role of this variant in disease. Therefore, it has been classified as a Variant of Uncertain Significance.

Ambry Genetics
Classification: Uncertain significance. Last evaluated: 2021-08-12. Review status: criteria provided, single submitter. Criteria: Ambry Variant Classification Scheme 2023. Collection method: clinical testing. Allele origin: germline.

NM_213606.4(SLC16A12):c.1318A>C (p.Thr440Pro)

Gene: SLC16A12 (solute carrier family 16 member 12; minus strand). Cytogenetic location: 10q23.31.
Variant type: single nucleotide variant.
Coding change: c.1318A>C on transcript NM_213606.4 (MANE Select); coding-DNA position 1318, A replaced by C.
Protein change: p.Thr440Pro; replaces threonine 440 with proline.
Molecular consequence: missense variant.
Genome position (GRCh38, 1-based): chr10:89,433,297, T>G on the plus strand (A>C on the coding strand, the complement: SLC16A12 is on the minus strand). VCF-style: chr10-89433297-T-G. GRCh37 (hg19) VCF-style: chr10-91193054-T-G.
Other names: short protein forms T440P.
Identifiers: ClinVar variation 2241742 (VCV002241742.4), dbSNP rs201915707, ClinGen allele CA5595329.